The following is an entry in ClinVar:

NM_001271938.2(MEGF8):c.1028A>G (p.Asp343Gly)

Gene: MEGF8 (multiple EGF like domains 8; plus strand). Cytogenetic location: 19q13.2.
Variant type: single nucleotide variant.
Coding change: c.1028A>G on transcript NM_001271938.2 (MANE Select); coding-DNA position 1028, A replaced by G.
Protein change: p.Asp343Gly; replaces aspartic acid 343 with glycine.
Molecular consequence: missense variant.
Genome position (GRCh38, 1-based): chr19:42,336,130, A>G. VCF-style: chr19-42336130-A-G. GRCh37 (hg19) VCF-style: chr19-42840282-A-G.
Other names: c.1028A>G, p.Asp343Gly (NM_001410.3); short protein forms D343G.
Identifiers: ClinVar variation 2918377 (VCV002918377.3), dbSNP rs757946834, ClinGen allele CA9474327.

ClinVar aggregate classification (germline): Uncertain significance (1 of 4 stars; one submission).

Conditions:
MEGF8-related Carpenter syndrome. Also called: Carpenter syndrome 2. Identifiers: Orphanet 65759, MedGen C3554247, MONDO:0013998, OMIM 614976.

Allele frequency attached by ClinVar (database versions not stated): gnomAD exomes 0.00001; gnomAD 0.00001; ExAC 0.00001; TOPMed 0.00002.
gnomAD v4.1: 20 of 1,608,640 alleles (0.0012%); highest among the groups gnomAD compares: Non-Finnish European, 0.0016%; no homozygotes.

Submission:

Labcorp Genetics (formerly Invitae), Labcorp
Classification: Uncertain significance for MEGF8-related Carpenter syndrome. Last evaluated: 2025-04-14. Review status: criteria provided, single submitter. Criteria: Invitae Variant Classification Sherloc (09022015). Collection method: clinical testing. Allele origin: germline.
Comment: This sequence change replaces aspartic acid, which is acidic and polar, with glycine, which is neutral and non-polar, at codon 343 of the MEGF8 protein (p.Asp343Gly). This variant is present in population databases (rs757946834, gnomAD 0.002%). This variant has not been reported in the literature in individuals affected with MEGF8-related conditions. ClinVar contains an entry for this variant (Variation ID: 2918377). An algorithm developed to predict the effect of missense changes on protein structure and function (PolyPhen-2) suggests that this variant is likely to be tolerated. In summary, the available evidence is currently insufficient to determine the role of this variant in disease. Therefore, it has been classified as a Variant of Uncertain Significance.